The following is an entry in ClinVar:

NM_000384.3(APOB):c.2504C>T (p.Ala835Val)

Gene: APOB (apolipoprotein B; minus strand). Cytogenetic location: 2p24.1.
Variant type: single nucleotide variant.
Coding change: c.2504C>T on transcript NM_000384.3 (MANE Select); coding-DNA position 2504, C replaced by T.
Protein change: p.Ala835Val; replaces alanine 835 with valine.
Molecular consequence: missense variant.
Genome position (GRCh38, 1-based): chr2:21,023,625, G>A on the plus strand (C>T on the coding strand, the complement: APOB is on the minus strand). VCF-style: chr2-21023625-G-A. GRCh37 (hg19) VCF-style: chr2-21246497-G-A.
Other names: short protein forms A835V.
Identifiers: ClinVar variation 4824429 (VCV004824429.1), dbSNP rs887351339.

ClinVar aggregate classification (germline): Uncertain significance (1 of 4 stars; one submission).

Conditions:
Cardiovascular phenotype. Identifiers: MedGen CN230736.

gnomAD v4.1: 3 of 1,614,128 alleles (0.00019%); highest among the groups gnomAD compares: Non-Finnish European, 0.00025%; no homozygotes.

Submission:

Ambry Genetics
Classification: Uncertain significance for Cardiovascular phenotype. Last evaluated: 2026-01-25. Review status: criteria provided, single submitter. Criteria: Ambry Variant Classification Scheme 2023. Collection method: clinical testing. Allele origin: germline.
Comment: The p.A835V variant (also known as c.2504C>T), located in coding exon 17 of the APOB gene, results from a C to T substitution at nucleotide position 2504. The alanine at codon 835 is replaced by valine, an amino acid with similar properties. This amino acid position is conserved. In addition, this alteration is predicted to be tolerated by in silico analysis. Based on the available evidence, the clinical significance of this variant remains unclear.